The following is an entry in ClinVar:

NM_000321.3(RB1):c.2211+2T>C

Gene: RB1 (RB transcriptional corepressor 1; plus strand). Cytogenetic location: 13q14.2.
Variant type: single nucleotide variant.
Coding change: c.2211+2T>C on transcript NM_000321.3 (MANE Select); the canonical splice donor site of the intron after coding-DNA position 2211, T replaced by C.
Molecular consequence: splice donor variant.
Genome position (GRCh38, 1-based): chr13:48,463,837, T>C. VCF-style: chr13-48463837-T-C. GRCh37 (hg19) VCF-style: chr13-49037973-T-C.
Other names: c.2211+2T>C (NM_000321.2, NM_001407165.1).
Identifiers: ClinVar variation 1177564 (VCV001177564.8), dbSNP rs2138342748, ClinGen allele CA388167243.

ClinVar aggregate classification (germline): Pathogenic/Likely pathogenic. Review status: criteria provided, multiple submitters, no conflicts (2 of 4 stars). 6 submissions from 6 submitters: Pathogenic (5); Likely pathogenic (1). Last evaluated 2025-11-05.

Conditions:
Hereditary retinoblastoma. Identifiers: Orphanet 357027, MedGen C0751483, MONDO:0018160.
Retinoblastoma (RB1). Also called: RETINOBLASTOMA, SOMATIC. Identifiers: Orphanet 790, MedGen C0035335, MeSH D012175, MONDO:0008380, OMIM 180200, HP:0009919. Disease mechanism: loss of function. Inheritance: Both sporadic and heritable forms are tested..
Hereditary cancer-predisposing syndrome. Also called: Hereditary neoplastic syndrome; Tumor predisposition; Neoplastic Syndromes, Hereditary; Hereditary Cancer Syndrome. Identifiers: Orphanet 140162, MedGen C0027672, MeSH D009386, MONDO:0015356.

Submissions (6):

Institute for Genomic Medicine (IGM) Clinical Laboratory, Nationwide Children's Hospital
Classification: Pathogenic for Hereditary retinoblastoma. Last evaluated: 2025-11-05. Review status: criteria provided, single submitter. Criteria: ACMG Guidelines, 2015. Collection method: clinical testing. Allele origin: germline.
Comment: This variant is predicted to result in loss of function through nonsense-mediated decay of the encoded transcript or premature truncation of the encoded protein in a gene in which loss of function is a known mechanism of disease (ACMG/AMP: PVS1; PMIDs:8651278, 15605413, 12541220, 17096365, 24688104, 24249257). This variant has been reported at an elevated frequency in affected individuals/in multiple affected individuals in the literature (ACMG/AMP: PS4_Supporting; PMIDs:28803391, 33493472). This variant is absent from or present at an exceedingly low frequency in gnomAD, a large-scale control population database (ACMG/AMP: PM2).

Labcorp Genetics (formerly Invitae), Labcorp
Classification: Pathogenic for Retinoblastoma. Last evaluated: 2024-07-02. Review status: criteria provided, single submitter. Criteria: Invitae Variant Classification Sherloc (09022015). Collection method: clinical testing. Allele origin: germline.
Comment: This sequence change affects a donor splice site in intron 21 of the RB1 gene. It is expected to disrupt RNA splicing. Variants that disrupt the donor or acceptor splice site typically lead to a loss of protein function (PMID: 16199547), and loss-of-function variants in RB1 are known to be pathogenic (PMID: 17096365). This variant is not present in population databases (gnomAD no frequency). Disruption of this splice site has been observed in individual(s) with retinoblastoma (PMID: 28803391). ClinVar contains an entry for this variant (Variation ID: 1177564). Studies have shown that disruption of this splice site is associated with inconclusive levels of altered splicing (Invitae). For these reasons, this variant has been classified as Pathogenic.

Genetic Diagnostic Laboratory, University of Pennsylvania School of Medicine
Classification: Pathogenic for Retinoblastoma. Last evaluated: 2024-05-20. Review status: criteria provided, single submitter. Criteria: ACMG Guidelines, 2015. Collection method: clinical testing. Allele origin: germline. Affected: yes. Observed: 1 variant allele.
Comment: Case and Pedigree Information: BILATERAL CASES:0, UNILATERAL CASES:1, TOTAL CASES:1, PEDIGREES:1. ACMG Codes Applied:PVS1, PM2

Ambry Genetics
Classification: Likely pathogenic for Hereditary cancer-predisposing syndrome. Last evaluated: 2024-05-08. Review status: criteria provided, single submitter. Criteria: Ambry Variant Classification Scheme 2023. Collection method: clinical testing. Allele origin: germline.
Comment: The c.2211+2T>C intronic variant results from a T to C substitution two nucleotides after coding exon 21 in the RB1 gene. This nucleotide position is highly conserved in available vertebrate species. This variant has been observed in individuals with a personal and/or family history of retinoblastoma (Ambry internal data; Chai P et al. Exp Eye Res, 2021 Apr;205:108456; Yousef YA et al. Fam Cancer, 2018 Apr;17:261-268). In silico splice site analysis predicts that this alteration will weaken the native splice donor site and will result in the creation or strengthening of a novel splice donor site. This variant is considered to be rare based on population cohorts in the Genome Aggregation Database (gnomAD). Alterations that disrupt the canonical splice site are expected to cause aberrant splicing, resulting in an abnormal protein or a transcript that is subject to nonsense-mediated mRNA decay. As such, this alteration is classified as likely pathogenic.

GeneDx
Classification: Pathogenic. Last evaluated: 2023-01-12. Review status: criteria provided, single submitter. Criteria: GeneDx Variant Classification Process June 2021. Collection method: clinical testing. Allele origin: germline. Affected: yes.
Comment: Canonical splice site variant expected to result in aberrant splicing predicted to result in an in-frame loss of the adjacent exon; Identified in patients with personal and/or family history of retinoblastoma referred for genetic testing at GeneDx and in published literature (Yousef et al., 2017; Chai et al., 2021); Not observed at significant frequency in large population cohorts (gnomAD); This variant is associated with the following publications: (PMID: Day alan_2006_Review, 23516486, 28803391, 33493472)

Department of Ophthalmology, Shanghai Ninth people hospital, Shanghai Ninth People's Hospital, Shanghai Jiao Tong University
Classification: Pathogenic for Retinoblastoma. Review status: criteria provided, single submitter. Criteria: ACMG Guidelines, 2015. Collection method: clinical testing. Allele origin: germline. Affected: yes.

Literature cited by the submitters: PubMed 8651278 (cited by Institute for Genomic Medicine (IGM) Clinical Laboratory, Nationwide Children's Hospital); PubMed 15605413 (cited by Institute for Genomic Medicine (IGM) Clinical Laboratory, Nationwide Children's Hospital); PubMed 12541220 (cited by Institute for Genomic Medicine (IGM) Clinical Laboratory, Nationwide Children's Hospital); PubMed 17096365 (cited by Institute for Genomic Medicine (IGM) Clinical Laboratory, Nationwide Children's Hospital and Labcorp Genetics (formerly Invitae), Labcorp); PubMed 24688104 (cited by Institute for Genomic Medicine (IGM) Clinical Laboratory, Nationwide Children's Hospital); PubMed 24249257 (cited by Institute for Genomic Medicine (IGM) Clinical Laboratory, Nationwide Children's Hospital); PubMed 28803391 (cited by 3 submitters); PubMed 33493472 (cited by 3 submitters); PubMed 16199547 (cited by Labcorp Genetics (formerly Invitae), Labcorp).